The following is an entry in ClinVar:

NM_003901.4(SGPL1):c.1687G>A (p.Gly563Ser)

Gene: SGPL1 (sphingosine-1-phosphate lyase 1; plus strand). Cytogenetic location: 10q22.1.
Variant type: single nucleotide variant.
Coding change: c.1687G>A on transcript NM_003901.4 (MANE Select); coding-DNA position 1687, G replaced by A.
Protein change: p.Gly563Ser; replaces glycine 563 with serine.
Molecular consequence: missense variant.
Genome position (GRCh38, 1-based): chr10:70,877,315, G>A. VCF-style: chr10-70877315-G-A. GRCh37 (hg19) VCF-style: chr10-72637072-G-A.
Other names: p.Gly563Ser; short protein forms G563S.
Identifiers: ClinVar variation 2189926 (VCV002189926.3), dbSNP rs368301588, ClinGen allele CA5541548.

ClinVar aggregate classification (germline): Uncertain significance. Review status: criteria provided, multiple submitters, no conflicts (2 of 4 stars). 2 submissions from 2 submitters: Uncertain significance (2). Last evaluated 2025-09-09.

Allele frequency attached by ClinVar (database versions not stated): TOPMed 0.00006; ESP Exome Variant Server 0.00008.
gnomAD v4.1: 9 of 1,614,042 alleles (0.00056%); highest among the groups gnomAD compares: African/African-American, 0.0053%; no homozygotes.

Submissions (2):

Mayo Clinic Laboratories, Mayo Clinic
Classification: Uncertain significance. Last evaluated: 2025-09-09. Review status: criteria provided, single submitter. Criteria: ACMG Guidelines, 2015. Collection method: clinical testing. Allele origin: germline. Observed: 1 variant allele.
Comment: BP4_moderate, PM2_supporting

Labcorp Genetics (formerly Invitae), Labcorp
Classification: Uncertain significance. Last evaluated: 2025-05-05. Review status: criteria provided, single submitter. Criteria: Invitae Variant Classification Sherloc (09022015). Collection method: clinical testing. Allele origin: germline.
Comment: This sequence change replaces glycine, which is neutral and non-polar, with serine, which is neutral and polar, at codon 563 of the SGPL1 protein (p.Gly563Ser). This variant is present in population databases (rs368301588, gnomAD 0.007%). This variant has not been reported in the literature in individuals affected with SGPL1-related conditions. ClinVar contains an entry for this variant (Variation ID: 2189926). An algorithm developed to predict the effect of missense changes on protein structure and function (PolyPhen-2) suggests that this variant is likely to be disruptive. In summary, the available evidence is currently insufficient to determine the role of this variant in disease. Therefore, it has been classified as a Variant of Uncertain Significance.